The following is an entry in ClinVar:

ClinVar aggregate classification (germline): Uncertain significance. Review status: criteria provided, multiple submitters, no conflicts (2 of 4 stars). 2 submissions from 2 submitters: Uncertain significance (2). Last evaluated 2025-04-30.

Conditions:
Epilepsy. Also called: Seizure disorder. Identifiers: MedGen C0014544, MeSH D004827, MONDO:0005027.
Inborn genetic diseases. Identifiers: MedGen C0950123, MeSH D030342.

gnomAD v4.1: 109 of 1,612,710 alleles (0.0068%); highest among the groups gnomAD compares: Non-Finnish European, 0.009%; no homozygotes.

Submissions (2):

Ambry Genetics
Classification: Uncertain significance for Inborn genetic diseases. Last evaluated: 2025-04-30. Review status: criteria provided, single submitter. Criteria: Ambry Variant Classification Scheme 2023. Collection method: clinical testing. Allele origin: germline.

Labcorp Genetics (formerly Invitae), Labcorp
Classification: Uncertain significance for Epilepsy. Last evaluated: 2021-08-31. Review status: criteria provided, single submitter. Criteria: Invitae Variant Classification Sherloc (09022015). Collection method: clinical testing. Allele origin: germline.
Comment: This sequence change replaces arginine with serine at codon 338 of the PIGQ protein (p.Arg338Ser). The arginine residue is moderately conserved and there is a moderate physicochemical difference between arginine and serine. This variant is present in population databases (rs559762174, ExAC 0.002%). This variant has not been reported in the literature in individuals affected with PIGQ-related conditions. Algorithms developed to predict the effect of missense changes on protein structure and function (SIFT, PolyPhen-2, Align-GVGD) all suggest that this variant is likely to be tolerated. In summary, the available evidence is currently insufficient to determine the role of this variant in disease. Therefore, it has been classified as a Variant of Uncertain Significance.

NM_004204.5(PIGQ):c.1012C>A (p.Arg338Ser)

Gene: PIGQ (phosphatidylinositol glycan anchor biosynthesis class Q; plus strand). Cytogenetic location: 16p13.3.
Variant type: single nucleotide variant.
Coding change: c.1012C>A on transcript NM_004204.5 (MANE Select); coding-DNA position 1012, C replaced by A.
Protein change: p.Arg338Ser; replaces arginine 338 with serine.
Molecular consequence: missense variant.
Genome position (GRCh38, 1-based): chr16:578,448, C>A. VCF-style: chr16-578448-C-A. GRCh37 (hg19) VCF-style: chr16-628448-C-A.
Other names: c.1012C>A, p.Arg338Ser (NM_148920.4); c.1012C>A (NM_148920.1); short protein forms R338S.
Identifiers: ClinVar variation 1389165 (VCV001389165.6), dbSNP rs559762174, ClinGen allele CA7780077.